The following is an entry in ClinVar:

ClinVar aggregate classification (germline): Conflicting classifications of pathogenicity. Review status: criteria provided, conflicting classifications (1 of 4 stars). 5 submissions from 5 submitters: Uncertain significance (4); Benign (1). Last evaluated 2025-03-03.

Conditions:
Nephronophthisis 14 (NPHP14). Identifiers: Orphanet 2318, MedGen C3539071, MONDO:0013916, OMIM 614844.

Allele frequency attached by ClinVar (database versions not stated): gnomAD exomes 0.00003 and 0.00004; ExAC 0.00004; ESP Exome Variant Server 0.00015; 1000 Genomes Project 30x 0.00016; TOPMed 0.00031; gnomAD 0.00039 and 0.00041.
gnomAD v4.1: 100 of 1,614,040 alleles (0.0062%); highest among the groups gnomAD compares: African/African-American, 0.12%; no homozygotes.

Submissions (5):

Ambry Genetics
Classification: Uncertain significance. Last evaluated: 2025-03-03. Review status: criteria provided, single submitter. Criteria: Ambry Variant Classification Scheme 2023. Collection method: clinical testing. Allele origin: germline.

Labcorp Genetics (formerly Invitae), Labcorp
Classification: Uncertain significance for Nephronophthisis 14. Last evaluated: 2024-12-02. Review status: criteria provided, single submitter. Criteria: Invitae Variant Classification Sherloc (09022015). Collection method: clinical testing. Allele origin: germline.
Comment: This sequence change replaces alanine, which is neutral and non-polar, with valine, which is neutral and non-polar, at codon 763 of the ZNF423 protein (p.Ala763Val). This variant is present in population databases (rs150234048, gnomAD 0.1%). This variant has not been reported in the literature in individuals affected with ZNF423-related conditions. ClinVar contains an entry for this variant (Variation ID: 197821). Invitae Evidence Modeling of protein sequence and biophysical properties (such as structural, functional, and spatial information, amino acid conservation, physicochemical variation, residue mobility, and thermodynamic stability) indicates that this missense variant is not expected to disrupt ZNF423 protein function with a negative predictive value of 80%. In summary, the available evidence is currently insufficient to determine the role of this variant in disease. Therefore, it has been classified as a Variant of Uncertain Significance.

Blueprint Genetics
Classification: Benign. Last evaluated: 2024-03-08. Review status: criteria provided, single submitter. Criteria: ACMG Guidelines, 2015. Collection method: clinical testing. Allele origin: germline.

Eurofins Ntd Llc (ga)
Classification: Uncertain significance. Last evaluated: 2014-09-03. Review status: criteria provided, single submitter. Criteria: EGL Classification Definitions 2015. Collection method: clinical testing. Allele origin: germline. Observed: 1 variant allele, 1 heterozygote.

Breakthrough Genomics
Classification: Uncertain significance. Review status: criteria provided, single submitter. Criteria: ACMG Guidelines, 2015. Collection method: not provided. Allele origin: germline. Inheritance: Autosomal recessive inheritance. Affected: yes.

NM_001379286.1(ZNF423):c.2312C>T (p.Ala771Val)

Gene: ZNF423 (zinc finger protein 423; minus strand). Cytogenetic location: 16q12.1.
Variant type: single nucleotide variant.
Coding change: c.2312C>T on transcript NM_001379286.1 (MANE Select); coding-DNA position 2312, C replaced by T.
Protein change: p.Ala771Val; replaces alanine 771 with valine.
Molecular consequence: missense variant.
Genome position (GRCh38, 1-based): chr16:49,636,864, G>A on the plus strand (C>T on the coding strand, the complement: ZNF423 is on the minus strand). VCF-style: chr16-49636864-G-A. GRCh37 (hg19) VCF-style: chr16-49670775-G-A.
Other names: c.2288C>T (NM_015069.2); c.2108C>T, p.Ala703Val (NM_001271620.2); c.1937C>T, p.Ala646Val (NM_001330533.2); c.2288C>T, p.Ala763Val (NM_015069.5); short protein forms A703V, A763V, A646V, A771V.
Identifiers: ClinVar variation 197821 (VCV000197821.12), dbSNP rs150234048, ClinGen allele CA246173.